The following is an entry in ClinVar:

NM_172107.4(KCNQ2):c.1149-2A>G

Gene: KCNQ2 (potassium voltage-gated channel subfamily Q member 2; minus strand). Cytogenetic location: 20q13.33.
Variant type: single nucleotide variant.
Coding change: c.1149-2A>G on transcript NM_172107.4 (MANE Select); the canonical splice acceptor site of the intron before coding-DNA position 1149, A replaced by G.
Molecular consequence: splice acceptor variant.
Genome position (GRCh38, 1-based): chr20:63,428,437, T>C on the plus strand (A>G on the coding strand, the complement: KCNQ2 is on the minus strand). VCF-style: chr20-63428437-T-C. GRCh37 (hg19) VCF-style: chr20-62059790-T-C.
Other names: c.1119-2A>G (NM_004518.6); c.1149-2A>G (NM_172108.5, NM_172106.3, NM_001382235.1).
Identifiers: ClinVar variation 870205 (VCV000870205.10), dbSNP rs2080696874, ClinGen allele CA409650125.

ClinVar aggregate classification (germline): Pathogenic. Review status: criteria provided, multiple submitters, no conflicts (2 of 4 stars). 2 submissions from 2 submitters: Pathogenic (2). Last evaluated 2020-11-16.

Conditions:
Early-infantile DEE. Also called: Early infantile epileptic encephalopathy; Ohtahara syndrome; Early infantile epileptic encephalopathy with suppression bursts. Identifiers: Orphanet 1934, MedGen C0393706, MONDO:0800491.
Developmental and epileptic encephalopathy, 7 (DEE7). Also called: KCNQ2-Related Neonatal Epileptic Encephalopathy; KCNQ2-Related Neonatal-Onset Developmental and Epileptic Encephalopathy (NEO-DEE); Early infantile epileptic encephalopathy 7. Identifiers: Orphanet 439218, MedGen C3150986, MONDO:0013387, OMIM 613720.

Submissions (2):

Labcorp Genetics (formerly Invitae), Labcorp
Classification: Pathogenic for Early-infantile DEE. Last evaluated: 2020-11-16. Review status: criteria provided, single submitter. Criteria: Invitae Variant Classification Sherloc (09022015). Collection method: clinical testing. Allele origin: germline.
Comment: For these reasons, this variant has been classified as Pathogenic. Disruption of this splice site has been observed in individual(s) with KCNQ2-related conditions (Invitae). ClinVar contains an entry for this variant (Variation ID: 870205). This variant is not present in population databases (ExAC no frequency). This sequence change affects an acceptor splice site in intron 9 of the KCNQ2 gene. It is expected to disrupt RNA splicing. Variants that disrupt the donor or acceptor splice site typically lead to a loss of protein function (PMID: 16199547), and loss-of-function variants in KCNQ2 are known to be pathogenic (PMID: 14534157, 23692823, 27779742).

Laboratory of Inherited Metabolic Diseases, Research centre for medical genetics
Classification: Pathogenic for Developmental and epileptic encephalopathy, 7. Last evaluated: 2020-02-14. Review status: criteria provided, single submitter. Criteria: ACMG Guidelines, 2015. Collection method: clinical testing. Allele origin: unknown. Inheritance: Autosomal dominant inheritance. Affected: yes.

Literature cited by the submitters: PubMed 16199547 (cited by Labcorp Genetics (formerly Invitae), Labcorp); PubMed 14534157 (cited by Labcorp Genetics (formerly Invitae), Labcorp); PubMed 23692823 (cited by Labcorp Genetics (formerly Invitae), Labcorp); PubMed 27779742 (cited by Labcorp Genetics (formerly Invitae), Labcorp).